The following is an entry in ClinVar:

NM_001085.5(SERPINA3):c.724C>A (p.Pro242Thr)

Gene: SERPINA3 (serpin family A member 3; plus strand). Cytogenetic location: 14q32.13.
Variant type: single nucleotide variant.
Coding change: c.724C>A on transcript NM_001085.5 (MANE Select); coding-DNA position 724, C replaced by A.
Protein change: p.Pro242Thr; replaces proline 242 with threonine.
Molecular consequence: missense variant.
Genome position (GRCh38, 1-based): chr14:94,619,275, C>A. VCF-style: chr14-94619275-C-A. GRCh37 (hg19) VCF-style: chr14-95085612-C-A.
Other names: short protein forms P242T.
Identifiers: ClinVar variation 432469 (VCV000432469.2), dbSNP rs140884476, ClinGen allele CA265884897.

ClinVar aggregate classification (germline): Uncertain significance (1 of 4 stars; one submission).

gnomAD v4.1: 14 of 1,614,006 alleles (0.00087%); highest among the groups gnomAD compares: Non-Finnish European, 0.0012%; no homozygotes.

Submission:

GeneDx
Classification: Uncertain significance. Last evaluated: 2017-06-01. Review status: criteria provided, single submitter. Criteria: GeneDx Variant Classification (06012015). Collection method: clinical testing. Allele origin: germline. Affected: yes.
Comment: The P242T variant in the SERPINA3 gene has not been reported previously as a pathogenic variant, nor as a benign variant, to our knowledge. The P242T variant is not observed in large population cohorts (Lek et al., 2016; 1000 Genomes Consortium et al., 2015; Exome Variant Server). The P242T variant is a non-conservative amino acid substitution, which is likely to impact secondary protein structure as these residues differ in polarity, charge, size and/or other properties. This substitution occurs at a position that is conserved in mammals. In silico analysis predicts this variant is probably damaging to the protein structure/function. We interpret P242T as a variant of uncertain significance.